The following is an entry in ClinVar:

NM_153006.3(NAGS):c.65G>C (p.Arg22Pro)

Gene: NAGS (N-acetylglutamate synthase; plus strand). Cytogenetic location: 17q21.31.
Variant type: single nucleotide variant.
Coding change: c.65G>C on transcript NM_153006.3 (MANE Select); coding-DNA position 65, G replaced by C.
Protein change: p.Arg22Pro; replaces arginine 22 with proline.
Molecular consequence: missense variant.
Genome position (GRCh38, 1-based): chr17:44,004,728, G>C. VCF-style: chr17-44004728-G-C. GRCh37 (hg19) VCF-style: chr17-42082096-G-C.
Other names: c.65G>C (NM_153006.2); short protein forms R22P.
Identifiers: ClinVar variation 2144051 (VCV002144051.2), dbSNP rs780510141, ClinGen allele CA290903033.
Genomic context (GRCh38, chr17:44,004,728, plus strand): 5'-CGACGGCGCTGATGGCTGTGGTTCTGCGGGCAGCTGCTGTAGCCCCGAGGCTGAGAGGCC[G>C]GGGAGGCACTGGGGGCGCCCGAAGGCTGAGCTGTGGCGCGCGGCGGCGGGCGGCGAGGGG-3'
Protein context (NP_694551.1, residues 12-32): AAAVAPRLRG[Arg22Pro]GGTGGARRLS

ClinVar aggregate classification (germline): Conflicting classifications of pathogenicity. Review status: criteria provided, conflicting classifications (1 of 4 stars). 2 submissions from 2 submitters: Uncertain significance (1); Likely benign (1). Last evaluated 2024-11-13.

Conditions:
Inborn genetic diseases. Identifiers: MedGen C0950123, MeSH D030342.
Hyperammonemia, type III (NAGSD). Also called: Hyperammonemia due to N-acetylglutamate synthase deficiency. Identifiers: Orphanet 927, MedGen C0268543, MONDO:0009377, OMIM 237310.

Allele frequency attached by ClinVar (database versions not stated): TOPMed 0.00004; gnomAD 0.00005.

Submissions (2):

Ambry Genetics
Classification: Likely benign for Inborn genetic diseases. Last evaluated: 2024-11-13. Review status: criteria provided, single submitter. Criteria: Ambry Variant Classification Scheme 2023. Collection method: clinical testing. Allele origin: germline.

Labcorp Genetics (formerly Invitae), Labcorp
Classification: Uncertain significance for Hyperammonemia, type III. Last evaluated: 2022-03-05. Review status: criteria provided, single submitter. Criteria: Invitae Variant Classification Sherloc (09022015). Collection method: clinical testing. Allele origin: germline.
Comment: This sequence change replaces arginine, which is basic and polar, with proline, which is neutral and non-polar, at codon 22 of the NAGS protein (p.Arg22Pro). This variant is present in population databases (no rsID available, gnomAD 0.03%). This variant has not been reported in the literature in individuals affected with NAGS-related conditions. Algorithms developed to predict the effect of missense changes on protein structure and function output the following: SIFT: "Tolerated"; PolyPhen-2: "Benign"; Align-GVGD: "Class C0". The proline amino acid residue is found in multiple mammalian species, which suggests that this missense change does not adversely affect protein function. In summary, the available evidence is currently insufficient to determine the role of this variant in disease. Therefore, it has been classified as a Variant of Uncertain Significance.